The following is an entry in ClinVar:

ClinVar aggregate classification (germline): Uncertain significance (1 of 4 stars; one submission).

Conditions:
Inborn genetic diseases. Identifiers: MedGen C0950123, MeSH D030342.

Allele frequency attached by ClinVar (database versions not stated): ExAC 0.00004; gnomAD 0.00010; 1000 Genomes Project 30x 0.00016; TOPMed 0.00017; 1000 Genomes Project 0.00020.
gnomAD v4.1: 36 of 1,613,884 alleles (0.0022%); highest among the groups gnomAD compares: African/African-American, 0.041%; 1 homozygote.

Submission:

Ambry Genetics
Classification: Uncertain significance for Inborn genetic diseases. Last evaluated: 2020-10-29. Review status: criteria provided, single submitter. Criteria: Ambry Variant Classification Scheme 2023. Collection method: clinical testing. Allele origin: germline.
Comment: The c.262G>A (p.E88K) alteration is located in exon 2 (coding exon 2) of the OTUD6B gene. This alteration results from a G to A substitution at nucleotide position 262, causing the glutamic acid (E) at amino acid position 88 to be replaced by a lysine (K). Based on data from the Genome Aggregation Database (gnomAD) database, the OTUD6B c.262G>A alteration was observed in 0.004% (11/282486) of total alleles studied, with a frequency of 0.04% (10/24966) in the African subpopulation. This amino acid position is not well conserved in available vertebrate species. The in silico prediction for the p.E88K alteration is inconclusive. Based on insufficient or conflicting evidence, the clinical significance of this alteration remains unclear.

NM_016023.5(OTUD6B):c.172G>A (p.Glu58Lys)

Gene: OTUD6B (OTU deubiquitinase 6B; plus strand). Cytogenetic location: 8q21.3.
Variant type: single nucleotide variant.
Coding change: c.172G>A on transcript NM_016023.5 (MANE Select); coding-DNA position 172, G replaced by A.
Protein change: p.Glu58Lys; replaces glutamic acid 58 with lysine.
Molecular consequence: missense variant. On other transcripts: 5 prime UTR variant (1).
Genome position (GRCh38, 1-based): chr8:91,071,227, G>A. VCF-style: chr8-91071227-G-A. GRCh37 (hg19) VCF-style: chr8-92083455-G-A.
Other names: c.-272G>A (NM_001286745.3); short protein forms E58K.
Identifiers: ClinVar variation 2410481 (VCV002410481.2), dbSNP rs554642481, ClinGen allele CA4804693.